The following is an entry in ClinVar:

NM_000535.7(PMS2):c.2174+2T>G

Gene: PMS2 (PMS1 homolog 2, mismatch repair system component; minus strand). Cytogenetic location: 7p22.1.
Variant type: single nucleotide variant.
Coding change: c.2174+2T>G on transcript NM_000535.7 (MANE Select); the canonical splice donor site of the intron after coding-DNA position 2174, T replaced by G.
Molecular consequence: splice donor variant. On other transcripts: intron variant (4).
Genome position (GRCh38, 1-based): chr7:5,982,822, A>C on the plus strand (T>G on the coding strand, the complement: PMS2 is on the minus strand). VCF-style: chr7-5982822-A-C. GRCh37 (hg19) VCF-style: chr7-6022453-A-C.
Other names: c.1856+2T>G (NM_001322008.2, NM_001406883.1, NM_001322007.2 and 1 more transcripts); c.1865+2T>G (NM_001406881.1, NM_001406879.1, NM_001322015.2 and 5 more transcripts); c.1769+2T>G (NM_001406895.1, NM_001322004.2, NM_001406889.1 and 14 more transcripts); c.1403+2T>G (NM_001406911.1); c.1613+2T>G (NM_001322010.2, NM_001406906.1, NM_001406907.1); c.1700+2T>G (NM_001406902.1, NM_001406901.1); c.1661+2T>G (NM_001406904.1, NM_001406905.1); c.1601+2T>G (NM_001322013.2, NM_001406909.1); and 16 more.
Identifiers: ClinVar variation 1787147 (VCV001787147.2), dbSNP rs2128702096, ClinGen allele CA366737832.
Genomic context (GRCh38, chr7:5,982,822, plus strand): 5'-TTGGCCTCTATTAGATCTTCAATTTGAGGGGGAGTCTGGGAATGAACACTAAACACACTC[A>C]CGCTATGAGCCTCTGCCCCTGGAGCACGGTGTGCTGCTGCAGCATCTCGAAGTTATACTT-3'

ClinVar aggregate classification (germline): Pathogenic (1 of 4 stars; one submission).

Conditions:
Hereditary cancer-predisposing syndrome. Also called: Neoplastic Syndromes, Hereditary; Tumor predisposition; Hereditary Cancer Syndrome; Hereditary neoplastic syndrome. Identifiers: Orphanet 140162, MedGen C0027672, MeSH D009386, MONDO:0015356.

Submission:

Ambry Genetics
Classification: Pathogenic for Hereditary cancer-predisposing syndrome. Last evaluated: 2019-08-10. Review status: criteria provided, single submitter. Criteria: Ambry Variant Classification Scheme 2023. Collection method: clinical testing. Allele origin: germline.
Comment: The c.2174+2T>G intronic pathogenic mutation results from a T to G substitution two nucleotides after coding exon 12 in the PMS2 gene. This nucleotide position is highly conserved in available vertebrate species. This variant was not reported in population-based cohorts in the Genome Aggregation Database (gnomAD). Alterations that disrupt the canonical splice site are expected to cause aberrant splicing, resulting in an abnormal protein or a transcript that is subject to nonsense-mediated mRNA decay. As such, this alteration is classified as a disease-causing mutation.